The following is an entry in ClinVar:

ClinVar aggregate classification (germline): Uncertain significance (1 of 4 stars; one submission).

Submission:

Labcorp Genetics (formerly Invitae), Labcorp
Classification: Uncertain significance. Last evaluated: 2025-12-10. Review status: criteria provided, single submitter. Criteria: Invitae Variant Classification Sherloc (09022015). Collection method: clinical testing. Allele origin: germline.
Comment: This sequence change affects codon 46 of the NTHL1 mRNA. It is a 'silent' change, meaning that it does not change the encoded amino acid sequence of the NTHL1 protein. It affects a nucleotide within the consensus splice site. This variant is not present in population databases (gnomAD no frequency). This variant has not been reported in the literature in individuals affected with NTHL1-related conditions. ClinVar contains an entry for this variant (Variation ID: 2840345). RNA analysis performed to evaluate the impact of this variant on mRNA splicing indicates it does not significantly alter splicing (internal data). In summary, the available evidence is currently insufficient to determine the role of this variant in disease. Therefore, it has been classified as a Variant of Uncertain Significance.

NM_002528.7(NTHL1):c.114A>C (p.Ala38=)

Gene: NTHL1 (nth like DNA glycosylase 1; minus strand). Cytogenetic location: 16p13.3.
Variant type: single nucleotide variant.
Coding change: c.114A>C on transcript NM_002528.7 (MANE Select); coding-DNA position 114, A replaced by C.
Protein change: p.Ala38=; no amino-acid change (alanine 38 retained).
Molecular consequence: synonymous variant. On other transcripts: 5 prime UTR variant (1).
Genome position (GRCh38, 1-based): chr16:2,047,710, T>G on the plus strand (A>C on the coding strand, the complement: NTHL1 is on the minus strand). VCF-style: chr16-2047710-T-G. GRCh37 (hg19) VCF-style: chr16-2097711-T-G.
Other names: c.114A>C, p.Ala38= (NM_001318193.2); c.-65A>C (NM_001318194.2).
Identifiers: ClinVar variation 2840345 (VCV002840345.3), dbSNP rs1340753768, ClinGen allele CA492953524.